The following is an entry in ClinVar:

NM_031885.5(BBS2):c.802A>T (p.Lys268Ter)

Gene: BBS2 (Bardet-Biedl syndrome 2; minus strand). Cytogenetic location: 16q13.
Variant type: single nucleotide variant.
Coding change: c.802A>T on transcript NM_031885.5 (MANE Select); coding-DNA position 802, A replaced by T.
Protein change: p.Lys268Ter; replaces lysine 268 with a stop codon.
Molecular consequence: nonsense. On other transcripts: non-coding transcript variant (5).
Genome position (GRCh38, 1-based): chr16:56,505,952, T>A on the plus strand (A>T on the coding strand, the complement: BBS2 is on the minus strand). VCF-style: chr16-56505952-T-A. GRCh37 (hg19) VCF-style: chr16-56539864-T-A.
Other names: c.802A>T, p.Lys268Ter (NM_001377456.1); short protein forms K268*.
Identifiers: ClinVar variation 1726757 (VCV001726757.2), dbSNP rs2543720549, ClinGen allele CA395982558.

ClinVar aggregate classification (germline): Likely pathogenic (1 of 4 stars; one submission).

Conditions:
Bardet-Biedl syndrome 2 (BBS2). Identifiers: Orphanet 110, MedGen C2936863, MONDO:0014432, OMIM 615981.

Submission:

Myriad Genetics, Inc.
Classification: Likely pathogenic for Bardet-Biedl syndrome 2. Last evaluated: 2022-01-02. Review status: criteria provided, single submitter. Criteria: Myriad Women's Health Autosomal Recessive and X-Linked Classification Criteria (2021). Collection method: clinical testing. Allele origin: unknown.
Comment: NM_031885.3(BBS2):c.802A>T(K268*) is expected to be pathogenic in the context of Bardet-Biedl syndrome, BBS2-related. This variant is predicted to lead to an abnormal or absent protein product due to the creation of a premature termination codon in BBS2, a gene where loss-of-function variants are known to be pathogenic. Please note: this variant was assessed in the context of healthy population screening.